The following is an entry in ClinVar:

ClinVar aggregate classification (germline): Conflicting classifications of pathogenicity. Review status: criteria provided, conflicting classifications (1 of 4 stars). 3 submissions from 3 submitters: Pathogenic (1); Uncertain significance (2). Last evaluated 2025-09-10.

Conditions:
Alport syndrome 3b, autosomal recessive. Identifiers: MedGen C5882699, MONDO:0957811, OMIM 620536.

Allele frequency attached by ClinVar (database versions not stated): gnomAD exomes below 0.00001.
gnomAD v4.1: 2 of 1,614,048 alleles (0.00012%); highest among the groups gnomAD compares: East Asian, 0.0022%; no homozygotes.

Submissions (3):

Genomic Medicine Center of Excellence, King Faisal Specialist Hospital and Research Centre
Classification: Pathogenic for Alport syndrome 3b, autosomal recessive. Last evaluated: 2025-09-10. Review status: criteria provided, single submitter. Criteria: ACMG Guidelines, 2015. Collection method: clinical testing. Allele origin: germline.

3billion
Classification: Uncertain significance for Alport syndrome 3b, autosomal recessive. Last evaluated: 2024-12-05. Review status: criteria provided, single submitter. Criteria: ACMG Guidelines, 2015. Collection method: clinical testing. Allele origin: germline. Affected: yes.
Comment: The variant is observed at an extremely low frequency in the gnomAD v4.1.0 dataset (total allele frequency: <0.001%). Predicted Consequence/Location: Missense variant In silico tool predictions suggest damaging effect of the variant on gene or gene product [REVEL: 0.94 (>=0.6, sensitivity 0.68 and specificity 0.92); 3Cnet: 0.74 (>=0.6, sensitivity 0.72 and precision 0.9)]. The same nucleotide change resulting in the same amino acid change has been previously reported to be associated with COL4A3-related disorder (PMID: 36177613). However, the evidence of pathogenicity is insufficient at this time. Therefore, this variant is classified as VUS according to the recommendation of ACMG/AMP guideline.

Labcorp Genetics (formerly Invitae), Labcorp
Classification: Uncertain significance. Last evaluated: 2021-02-06. Review status: criteria provided, single submitter. Criteria: Invitae Variant Classification Sherloc (09022015). Collection method: clinical testing. Allele origin: germline.
Comment: In summary, the available evidence is currently insufficient to determine the role of this variant in disease. Therefore, it has been classified as a Variant of Uncertain Significance. Advanced modeling of protein sequence and biophysical properties (such as structural, functional, and spatial information, amino acid conservation, physicochemical variation, residue mobility, and thermodynamic stability) performed at Invitae indicates that this missense variant is expected to disrupt COL4A3 protein function. This variant has not been reported in the literature in individuals with COL4A3-related conditions. This variant is not present in population databases (ExAC no frequency). This sequence change replaces glycine with aspartic acid at codon 628 of the COL4A3 protein (p.Gly628Asp). The glycine residue is highly conserved and there is a moderate physicochemical difference between glycine and aspartic acid.

Literature cited by the submitters: PubMed 36177613 (cited by 3billion).

NM_000091.5(COL4A3):c.1883G>A (p.Gly628Asp)

Genes: COL4A3 (collagen type IV alpha 3 chain; plus strand), MFF-DT (MFF divergent transcript; minus strand). Cytogenetic location: 2q36.3.
Variant type: single nucleotide variant.
Coding change: c.1883G>A on transcript NM_000091.5 (MANE Select); coding-DNA position 1883, G replaced by A.
Protein change: p.Gly628Asp; replaces glycine 628 with aspartic acid.
Molecular consequence: missense variant.
Genome position (GRCh38, 1-based): chr2:227,273,073, G>A. VCF-style: chr2-227273073-G-A. GRCh37 (hg19) VCF-style: chr2-228137789-G-A.
Other names: short protein forms G628D.
Identifiers: ClinVar variation 1508000 (VCV001508000.10), dbSNP rs2125996545, ClinGen allele CA350844990.